The following is an entry in ClinVar:

ClinVar aggregate classification (germline): Conflicting classifications of pathogenicity. Review status: criteria provided, conflicting classifications (1 of 4 stars). 3 submissions from 2 submitters: Uncertain significance (1); Likely benign (1). 1 of the submissions does not count toward it. Last evaluated 2018-10-15.

Conditions:
Seizures, benign familial infantile, 3 (BFIS3). Also called: Familial neonatal seizures; CONVULSIONS, BENIGN FAMILIAL INFANTILE, 3. Identifiers: Orphanet 140927, Orphanet 306, MedGen C1843140, MONDO:0011904, OMIM 607745.
Developmental and epileptic encephalopathy, 11 (DEE11). Also called: Early infantile epileptic encephalopathy 11. Identifiers: Orphanet 1934, MedGen C3150987, MONDO:0013388, OMIM 613721.
Episodic ataxia, type 9. Identifiers: MedGen C5394520, MONDO:0030064, OMIM 618924.

Allele frequency attached by ClinVar (database versions not stated): gnomAD exomes below 0.00001.
gnomAD v4.1: 1 of 1,614,044 alleles (0.000062%); highest among the groups gnomAD compares: Non-Finnish European, 0.000085%; no homozygotes.

Submissions (3):

Labcorp Genetics (formerly Invitae), Labcorp
Classification: Uncertain significance for Seizures, benign familial infantile, 3; Developmental and epileptic encephalopathy, 11. Last evaluated: 2018-10-15. Review status: criteria provided, single submitter. Criteria: Invitae Variant Classification Sherloc (09022015). Collection method: clinical testing. Allele origin: germline.
Comment: In summary, the available evidence is currently insufficient to determine the role of this variant in disease. Therefore, it has been classified as a Variant of Uncertain Significance. Algorithms developed to predict the effect of missense changes on protein structure and function are either unavailable or do not agree on the potential impact of this missense change (SIFT: "Deleterious"; PolyPhen-2: "Possibly Damaging"; Align-GVGD: "Class C0"). This variant has not been reported in the literature in individuals with SCN2A-related disease. This variant is not present in population databases (ExAC no frequency). This sequence change replaces aspartic acid with histidine at codon 521 of the SCN2A protein (p.Asp521His). The aspartic acid residue is moderately conserved and there is a moderate physicochemical difference between aspartic acid and histidine.

Suma Genomics
Classification: Likely benign for Developmental and epileptic encephalopathy, 11; Episodic ataxia, type 9; Seizures, benign familial infantile, 3. Review status: criteria provided, single submitter. Criteria: ACMG Guidelines, 2015. Collection method: clinical testing. Allele origin: inherited. Inheritance: Autosomal dominant inheritance. Affected: yes.

Suma Genomics
Classification: Likely benign for Developmental and epileptic encephalopathy, 11. Review status: no assertion criteria provided. Collection method: clinical testing. Allele origin: maternal. Affected: yes. Observed: 1 heterozygote. Not counted in ClinVar's aggregate classification.

NM_001040142.2(SCN2A):c.1561G>C (p.Asp521His)

Gene: SCN2A (sodium voltage-gated channel alpha subunit 2; plus strand). Cytogenetic location: 2q24.3.
Variant type: single nucleotide variant.
Coding change: c.1561G>C on transcript NM_001040142.2 (MANE Select); coding-DNA position 1561, G replaced by C.
Protein change: p.Asp521His; replaces aspartic acid 521 with histidine.
Molecular consequence: missense variant.
Genome position (GRCh38, 1-based): chr2:165,315,648, G>C. VCF-style: chr2-165315648-G-C. GRCh37 (hg19) VCF-style: chr2-166172158-G-C.
Other names: c.1561G>C, p.Asp521His (NM_001040143.2, NM_001371246.1, NM_001371247.1 and 1 more transcripts); short protein forms D521H.
Identifiers: ClinVar variation 647069 (VCV000647069.11), dbSNP rs1574572514, ClinGen allele CA349023598.